The following is an entry in ClinVar:

ClinVar aggregate classification (germline): Uncertain significance. Review status: criteria provided, multiple submitters, no conflicts (2 of 4 stars). 2 submissions from 2 submitters: Uncertain significance (2). Last evaluated 2025-08-12.

Conditions:
Cognitive impairment - coarse facies - heart defects - obesity - pulmonary involvement - short stature - skeletal dysplasia syndrome. Also called: Chops syndrome; COGNITIVE IMPAIRMENT, COARSE FACIES, HEART DEFECTS, OBESITY, PULMONARY INVOLVEMENT, SHORT STATURE, AND SKELETAL DYSPLASIA; AFF4-Related CHOPS Syndrome. Identifiers: Orphanet 444077, MedGen C4085597, MONDO:0014609, OMIM 616368.
Inborn genetic diseases. Identifiers: MedGen C0950123, MeSH D030342.

Submissions (2):

Ambry Genetics
Classification: Uncertain significance for Inborn genetic diseases. Last evaluated: 2025-08-12. Review status: criteria provided, single submitter. Criteria: Ambry Variant Classification Scheme 2023. Collection method: clinical testing. Allele origin: germline.

Labcorp Genetics (formerly Invitae), Labcorp
Classification: Uncertain significance for Cognitive impairment - coarse facies - heart defects - obesity - pulmonary involvement - short stature - skeletal dysplasia syndrome. Last evaluated: 2025-04-11. Review status: criteria provided, single submitter. Criteria: Invitae Variant Classification Sherloc (09022015). Collection method: clinical testing. Allele origin: germline.
Comment: This sequence change replaces threonine, which is neutral and polar, with arginine, which is basic and polar, at codon 749 of the AFF4 protein (p.Thr749Arg). This variant is present in population databases (rs756860130, gnomAD 0.0009%). This variant has not been reported in the literature in individuals affected with AFF4-related conditions. Invitae Evidence Modeling of protein sequence and biophysical properties (such as structural, functional, and spatial information, amino acid conservation, physicochemical variation, residue mobility, and thermodynamic stability) indicates that this missense variant is not expected to disrupt AFF4 protein function with a negative predictive value of 80%. In summary, the available evidence is currently insufficient to determine the role of this variant in disease. Therefore, it has been classified as a Variant of Uncertain Significance.

NM_014423.4(AFF4):c.2246C>G (p.Thr749Arg)

Gene: AFF4 (ALF transcription elongation factor 4; minus strand). Cytogenetic location: 5q31.1.
Variant type: single nucleotide variant.
Coding change: c.2246C>G on transcript NM_014423.4 (MANE Select); coding-DNA position 2246, C replaced by G.
Protein change: p.Thr749Arg; replaces threonine 749 with arginine.
Molecular consequence: missense variant.
Genome position (GRCh38, 1-based): chr5:132,896,384, G>C on the plus strand (C>G on the coding strand, the complement: AFF4 is on the minus strand). VCF-style: chr5-132896384-G-C. GRCh37 (hg19) VCF-style: chr5-132232076-G-C.
Other names: short protein forms T749R.
Identifiers: ClinVar variation 4247913 (VCV004247913.2).
Genomic context (GRCh38, chr5:132,896,384, plus strand): 5'-TTATGCTTCCTCTTGCCTTTGTTGGAAACTTTTTCTGAGGCTTGTTTCTGAGCCTCTCTC[G>C]TGTGCTTTTCTGGCACATTTTTCTTTTCCCCCTTGGGCGGCTCTGTTTCTTTGTAAGGCT-3'
Protein context (NP_055238.1, residues 739-759): GEKKNVPEKH[Thr749Arg]REAQKQASEK